The following is an entry in ClinVar:

NM_020778.5(ALPK3):c.1258C>G (p.Leu420Val)

Gene: ALPK3 (alpha kinase 3; plus strand). Cytogenetic location: 15q25.3.
Variant type: single nucleotide variant.
Coding change: c.1258C>G on transcript NM_020778.5 (MANE Select); coding-DNA position 1258, C replaced by G.
Protein change: p.Leu420Val; replaces leucine 420 with valine.
Molecular consequence: missense variant.
Genome position (GRCh38, 1-based): chr15:84,840,537, C>G. VCF-style: chr15-84840537-C-G. GRCh37 (hg19) VCF-style: chr15-85383768-C-G.
Other names: short protein forms L420V.
Identifiers: ClinVar variation 2821178 (VCV002821178.3), dbSNP rs1963650063, ClinGen allele CA393375096.
Genomic context (GRCh38, chr15:84,840,537, plus strand): 5'-CAGAAGGCCCCTGGCCCAGGCCCAGGCCAGGAAGTGTATTTCTCCTTGAAGGACATGTAC[C>G]TGGAGAACACCCAGGCAGTCAGGCCTCTTGGGGAAGAGGGACCCCAGACCCTGAGTGTCC-3'
Protein context (NP_065829.4, residues 410-430): EVYFSLKDMY[Leu420Val]ENTQAVRPLG

ClinVar aggregate classification (germline): Uncertain significance (1 of 4 stars; one submission).

Submission:

Labcorp Genetics (formerly Invitae), Labcorp
Classification: Uncertain significance. Last evaluated: 2023-11-28. Review status: criteria provided, single submitter. Criteria: Invitae Variant Classification Sherloc (09022015). Collection method: clinical testing. Allele origin: germline.
Comment: This sequence change replaces leucine, which is neutral and non-polar, with valine, which is neutral and non-polar, at codon 622 of the ALPK3 protein (p.Leu622Val). This variant is not present in population databases (gnomAD no frequency). This variant has not been reported in the literature in individuals affected with ALPK3-related conditions. Algorithms developed to predict the effect of missense changes on protein structure and function output the following: SIFT: "Not Available"; PolyPhen-2: "Benign"; Align-GVGD: "Not Available". The valine amino acid residue is found in multiple mammalian species, which suggests that this missense change does not adversely affect protein function. In summary, the available evidence is currently insufficient to determine the role of this variant in disease. Therefore, it has been classified as a Variant of Uncertain Significance.